The following is an entry in ClinVar:

ClinVar aggregate classification (germline): Conflicting classifications of pathogenicity. Review status: criteria provided, conflicting classifications (1 of 4 stars). 4 submissions from 4 submitters: Uncertain significance (3); Likely benign (1). Last evaluated 2026-06-29.

Conditions:
IFT140-related disorder. Also called: IFT140-related condition.
Inborn genetic diseases. Identifiers: MedGen C0950123, MeSH D030342.
Saldino-Mainzer syndrome (SRTD9). Also called: SHORT-RIB THORACIC DYSPLASIA 9 WITHOUT POLYDACTYLY; short-rib thoracic dysplasia 9 with or without polydactyly; CONORENAL SYNDROME; Renal dysplasia, retinal pigmentary dystrophy, cerebellar ataxia and skeletal dysplasia. Identifiers: Orphanet 140969, MedGen C1849437, MONDO:0009964, OMIM 266920.
Retinitis pigmentosa 80 (RP80). Identifiers: MedGen C4540439, MONDO:0054708, OMIM 617781.

Allele frequency attached by ClinVar (database versions not stated): gnomAD exomes 0.00001 and 0.00002; ExAC 0.00002; gnomAD 0.00007 and 0.00009; TOPMed 0.00008; 1000 Genomes Project 0.00020; 1000 Genomes Project 30x 0.00031.
gnomAD v4.1: 24 of 1,613,910 alleles (0.0015%); highest among the groups gnomAD compares: African/African-American, 0.025%; no homozygotes.

Submissions (4):

PreventionGenetics, part of Exact Sciences
Classification: Uncertain significance for IFT140-related condition. Last evaluated: 2026-06-29. Review status: criteria provided, single submitter. Criteria: ACMG Guidelines, 2015. Collection method: clinical testing. Allele origin: germline.
Comment: The IFT140 c.1504G>A variant is predicted to result in the amino acid substitution p.Val502Ile. To our knowledge, this variant has not been reported in the literature. This variant is reported in 0.028% of alleles in individuals of African descent in gnomAD. At this time, the clinical significance of this variant is uncertain due to the absence of conclusive functional and genetic evidence.

Labcorp Genetics (formerly Invitae), Labcorp
Classification: Likely benign for Saldino-Mainzer syndrome. Last evaluated: 2026-01-12. Review status: criteria provided, single submitter. Criteria: Invitae Variant Classification Sherloc (09022015). Collection method: clinical testing. Allele origin: germline.

Ambry Genetics
Classification: Uncertain significance for Inborn genetic diseases. Last evaluated: 2025-08-30. Review status: criteria provided, single submitter. Criteria: Ambry Variant Classification Scheme 2023. Collection method: clinical testing. Allele origin: germline.

Fulgent Genetics
Classification: Uncertain significance for Saldino-Mainzer syndrome; Retinitis pigmentosa 80. Last evaluated: 2024-04-08. Review status: criteria provided, single submitter. Criteria: ACMG Guidelines, 2015. Collection method: clinical testing. Allele origin: germline.

NM_014714.4(IFT140):c.1504G>A (p.Val502Ile)

Genes: IFT140 (intraflagellar transport 140; minus strand), LOC105371046 (uncharacterized LOC105371046; plus strand). Cytogenetic location: 16p13.3.
Variant type: single nucleotide variant.
Coding change: c.1504G>A on transcript NM_014714.4 (MANE Select); coding-DNA position 1504, G replaced by A.
Protein change: p.Val502Ile; replaces valine 502 with isoleucine.
Molecular consequence: missense variant.
Genome position (GRCh38, 1-based): chr16:1,580,779, C>T on the plus strand (G>A on the coding strand, the complement: IFT140 is on the minus strand). VCF-style: chr16-1580779-C-T. GRCh37 (hg19) VCF-style: chr16-1630780-C-T.
Other names: c.1504G>A (NM_014714.3); short protein forms V502I.
Identifiers: ClinVar variation 1492515 (VCV001492515.10), dbSNP rs183261797, ClinGen allele CA7814263.